The following is an entry in ClinVar:

ClinVar aggregate classification (germline): Uncertain significance (1 of 4 stars; one submission).

Submission:

Women's Health and Genetics/Laboratory Corporation of America, LabCorp
Classification: Uncertain significance. Last evaluated: 2024-09-23. Review status: criteria provided, single submitter. Criteria: LabCorp Variant Classification Summary - May 2015. Collection method: clinical testing. Allele origin: germline.
Comment: Variant summary: SHANK3 c.1153G>A (p.Asp385Asn) results in a conservative amino acid change in the encoded protein sequence. The variant allele was found at a frequency of 4.1e-06 in 246342 control chromosomes. The available data on variant occurrences in the general population are insufficient to allow any conclusion about variant significance. To our knowledge, no occurrence of c.1153G>A in individuals affected with Phelan-McDermid Syndrome and no experimental evidence demonstrating its impact on protein function have been reported. No submitters have cited clinical-significance assessments for this variant to ClinVar. Based on the evidence outlined above, the variant was classified as uncertain significance.

NM_001372044.2(SHANK3):c.1153G>A (p.Asp385Asn)

Gene: SHANK3 (SH3 and multiple ankyrin repeat domains 3; plus strand).
Variant type: single nucleotide variant.
Coding change: c.1153G>A on transcript NM_001372044.2 (MANE Select); coding-DNA position 1153, G replaced by A.
Protein change: p.Asp385Asn; replaces aspartic acid 385 with asparagine.
Molecular consequence: missense variant.
Other names: short protein forms D385N.
Identifiers: ClinVar variation 3375310 (VCV003375310.1).